The following is an entry in ClinVar:

NM_004260.4(RECQL4):c.1004G>T (p.Gly335Val)

Gene: RECQL4 (RecQ like helicase 4; minus strand). Cytogenetic location: 8q24.3.
Variant type: single nucleotide variant.
Coding change: c.1004G>T on transcript NM_004260.4 (MANE Select); coding-DNA position 1004, G replaced by T.
Protein change: p.Gly335Val; replaces glycine 335 with valine.
Molecular consequence: missense variant. On other transcripts: 5 prime UTR variant (16), non-coding transcript variant (3), intron variant (3).
Genome position (GRCh38, 1-based): chr8:144,516,115, C>A on the plus strand (G>T on the coding strand, the complement: RECQL4 is on the minus strand). VCF-style: chr8-144516115-C-A. GRCh37 (hg19) VCF-style: chr8-145741499-C-A.
Other names: c.1004G>T, p.Gly335Val (NM_001413018.1, NM_001413019.1, NM_001413033.1 and 2 more transcripts); c.-68G>T (NM_001413021.1, NM_001413022.1, NM_001413023.1 and 7 more transcripts); c.875G>T, p.Gly292Val (NM_001413025.1); c.-130G>T (NM_001413027.1, NM_001413030.1, NM_001413031.1 and 2 more transcripts); c.653G>T, p.Gly218Val (NM_001413029.1); c.-337G>T (NM_001413043.1); c.954-46G>T (NM_001413017.1, NM_001413020.1); c.-22-46G>T (NM_001413034.1); short protein forms G218V, G292V, G335V.
Identifiers: ClinVar variation 4863203 (VCV004863203.1).

ClinVar aggregate classification (germline): Uncertain significance (1 of 4 stars; one submission).

Conditions:
Inborn genetic diseases. Identifiers: MedGen C0950123, MeSH D030342.

Submission:

Ambry Genetics
Classification: Uncertain significance for Inborn genetic diseases. Last evaluated: 2026-05-27. Review status: criteria provided, single submitter. Criteria: Ambry Variant Classification Scheme 2023. Collection method: clinical testing. Allele origin: germline.
Comment: The p.G335V variant (also known as c.1004G>T), located in coding exon 5 of the RECQL4 gene, results from a G to T substitution at nucleotide position 1004. The glycine at codon 335 is replaced by valine, an amino acid with dissimilar properties. This amino acid position is conserved. In addition, this alteration is predicted to be tolerated by in silico analysis. Based on the available evidence, the clinical significance of this variant remains unclear.